The following is an entry in ClinVar:

ClinVar aggregate classification (germline): Uncertain significance (1 of 4 stars; one submission).

Submission:

CeGaT Center for Human Genetics Tuebingen
Classification: Uncertain significance. Last evaluated: 2026-04-01. Review status: criteria provided, single submitter. Criteria: CeGaT Center For Human Genetics Tuebingen Variant Classification Criteria Version 2. Collection method: clinical testing. Allele origin: germline. Affected: yes. Observed: 1 variant allele.
Comment: MACF1: PM2, PP3

NM_001394062.1(MACF1):c.186C>G (p.Ile62Met)

Gene: MACF1 (microtubule actin crosslinking factor 1; plus strand). Cytogenetic location: 1p34.3.
Variant type: single nucleotide variant.
Coding change: c.186C>G on transcript NM_001394062.1 (MANE Select); coding-DNA position 186, C replaced by G.
Protein change: p.Ile62Met; replaces isoleucine 62 with methionine.
Molecular consequence: missense variant.
Genome position (GRCh38, 1-based): chr1:39,250,028, C>G. VCF-style: chr1-39250028-C-G. GRCh37 (hg19) VCF-style: chr1-39715700-C-G.
Other names: c.297C>G, p.Ile99Met (NM_012090.5); short protein forms I62M, I99M.
Identifiers: ClinVar variation 4874737 (VCV004874737.2).